The following is an entry in ClinVar:

ClinVar aggregate classification (germline): Likely benign (0 of 4 stars; one submission).

Conditions:
NOVA2-related disorder. Also called: NOVA2-related condition.

Submission:

PreventionGenetics, part of Exact Sciences
Classification: Likely benign for NOVA2-related condition. Last evaluated: 2023-04-26. Review status: no assertion criteria provided. Collection method: clinical testing. Allele origin: germline.
Comment: This variant is classified as likely benign based on ACMG/AMP sequence variant interpretation guidelines (Richards et al. 2015 PMID: 25741868, with internal and published modifications).

NM_002516.4(NOVA2):c.1155A>T (p.Ala385=)

Gene: NOVA2 (NOVA alternative splicing regulator 2; minus strand). Cytogenetic location: 19q13.32.
Variant type: single nucleotide variant.
Coding change: c.1155A>T on transcript NM_002516.4 (MANE Select); coding-DNA position 1155, A replaced by T.
Protein change: p.Ala385=; no amino-acid change (alanine 385 retained).
Molecular consequence: synonymous variant.
Genome position (GRCh38, 1-based): chr19:45,940,187, T>A on the plus strand (A>T on the coding strand, the complement: NOVA2 is on the minus strand). VCF-style: chr19-45940187-T-A. GRCh37 (hg19) VCF-style: chr19-46443445-T-A.
Identifiers: ClinVar variation 3037861 (VCV003037861.2), dbSNP rs1228371741, ClinGen allele CA507969379.